The following is an entry in ClinVar:

ClinVar aggregate classification (germline): Uncertain significance (1 of 4 stars; one submission).

Submission:

Ambry Genetics
Classification: Uncertain significance. Last evaluated: 2026-03-18. Review status: criteria provided, single submitter. Criteria: Ambry Variant Classification Scheme 2023. Collection method: clinical testing. Allele origin: germline.
Comment: The p.D918H variant (also known as c.2752G>C), located in coding exon 1 of the MLH3 gene, results from a G to C substitution at nucleotide position 2752. The aspartic acid at codon 918 is replaced by histidine, an amino acid with similar properties. This amino acid position is conserved. In addition, this alteration is predicted to be tolerated by in silico analysis. Based on the available evidence, the clinical significance of this variant remains unclear.

NM_001040108.2(MLH3):c.2752G>C (p.Asp918His)

Gene: MLH3 (mutL homolog 3; minus strand). Cytogenetic location: 14q24.3.
Variant type: single nucleotide variant.
Coding change: c.2752G>C on transcript NM_001040108.2 (MANE Select); coding-DNA position 2752, G replaced by C.
Protein change: p.Asp918His; replaces aspartic acid 918 with histidine.
Molecular consequence: missense variant.
Genome position (GRCh38, 1-based): chr14:75,046,904, C>G on the plus strand (G>C on the coding strand, the complement: MLH3 is on the minus strand). VCF-style: chr14-75046904-C-G. GRCh37 (hg19) VCF-style: chr14-75513607-C-G.
Other names: c.2752G>C, p.Asp918His (NM_014381.3); short protein forms D918H.
Identifiers: ClinVar variation 4860164 (VCV004860164.1).